The following is an entry in ClinVar:

NM_002303.6(LEPR):c.2928C>T (p.Asp976=)

Gene: LEPR (leptin receptor; plus strand). Cytogenetic location: 1p31.3.
Variant type: single nucleotide variant.
Coding change: c.2928C>T on transcript NM_002303.6 (MANE Select); coding-DNA position 2928, C replaced by T.
Protein change: p.Asp976=; no amino-acid change (aspartic acid 976 retained).
Molecular consequence: synonymous variant.
Genome position (GRCh38, 1-based): chr1:65,636,445, C>T. VCF-style: chr1-65636445-C-T. GRCh37 (hg19) VCF-style: chr1-66102128-C-T.
Identifiers: ClinVar variation 2890818 (VCV002890818.5), dbSNP rs138826362, ClinGen allele CA895189.
Genomic context (GRCh38, chr1:65,636,445, plus strand): 5'-TGACCAGTTCAACAGTGTTAACTTCTCTGAGGCTGAGGGTACTGAGGTAACCTATGAGGA[C>T]GAAAGCCAGAGACAACCCTTTGTTAAATACGCCACGCTGATCAGCAACTCTAAACCAAGT-3'
Protein context (NP_002294.2, residues 966-986): EAEGTEVTYE[Asp976=]ESQRQPFVKY

ClinVar aggregate classification (germline): Likely benign. Review status: criteria provided, single submitter (1 of 4 stars). 2 submissions from 2 submitters: Likely benign (1). 1 of the submissions does not count toward it. Last evaluated 2025-11-24.

Conditions:
LEPR-related disorder. Also called: LEPR-related disorders; LEPR-related condition.

Allele frequency attached by ClinVar (database versions not stated): gnomAD exomes 0.00003; ExAC 0.00006; gnomAD 0.00010; TOPMed 0.00013; ESP Exome Variant Server 0.00023; 1000 Genomes Project 0.00060; 1000 Genomes Project 30x 0.00062.
gnomAD v4.1: 64 of 1,614,010 alleles (0.004%); highest among the groups gnomAD compares: African/African-American, 0.036%; no homozygotes.

Submissions (2):

Labcorp Genetics (formerly Invitae), Labcorp
Classification: Likely benign. Last evaluated: 2025-11-24. Review status: criteria provided, single submitter. Criteria: Invitae Variant Classification Sherloc (09022015). Collection method: clinical testing. Allele origin: germline.

PreventionGenetics, part of Exact Sciences
Classification: Likely benign for LEPR-related condition. Last evaluated: 2019-05-24. Review status: no assertion criteria provided. Collection method: clinical testing. Allele origin: germline. Not counted in ClinVar's aggregate classification.
Comment: This variant is classified as likely benign based on ACMG/AMP sequence variant interpretation guidelines (Richards et al. 2015 PMID: 25741868, with internal and published modifications).